The following is an entry in ClinVar:

NM_023110.3(FGFR1):c.1997G>A (p.Trp666Ter)

Gene: FGFR1 (fibroblast growth factor receptor 1; minus strand). Cytogenetic location: 8p11.23.
Variant type: single nucleotide variant.
Coding change: c.1997G>A on transcript NM_023110.3 (MANE Select); coding-DNA position 1997, G replaced by A.
Protein change: p.Trp666Ter; replaces tryptophan 666 with a stop codon.
Molecular consequence: nonsense.
Genome position (GRCh38, 1-based): chr8:38,414,610, C>T on the plus strand (G>A on the coding strand, the complement: FGFR1 is on the minus strand). VCF-style: chr8-38414610-C-T. GRCh37 (hg19) VCF-style: chr8-38272128-C-T.
Other names: c.1997G>A, p.Trp666Ter (NM_000604.2); c.1991G>A, p.Trp664Ter (NM_001174063.2, NM_001174065.2, NM_001354367.2 and 1 more transcripts); c.1967G>A, p.Trp656Ter (NM_001174064.2); c.1730G>A, p.Trp577Ter (NM_001174066.2, NM_023105.3); c.2090G>A, p.Trp697Ter (NM_001174067.2); c.1718G>A, p.Trp573Ter (NM_001354368.2); c.1985G>A, p.Trp662Ter (NM_001354369.2, NM_001410922.1); c.1724G>A, p.Trp575Ter (NM_001354370.2, NM_023106.3); short protein forms W573*, W575*, W577*, W656*, W662*, W664*, W666*, W697*.
Identifiers: ClinVar variation 2505402 (VCV002505402.1), dbSNP rs1489129465, ClinGen allele CA370729717.

ClinVar aggregate classification (germline): Pathogenic (1 of 4 stars; one submission).

Conditions:
Hypogonadotropic hypogonadism 2 with or without anosmia (HH2). Also called: FGFR1-Related GnRH Deficiency (Kallmann Syndrome 2); HYPOGONADOTROPIC HYPOGONADISM 2 WITHOUT ANOSMIA; HYPOGONADOTROPIC HYPOGONADISM 2 WITH OR WITHOUT ANOSMIA, SUSCEPTIBILITY TO; HYPOGONADOTROPIC HYPOGONADISM 2 WITHOUT ANOSMIA, SUSCEPTIBILITY TO. Identifiers: Orphanet 478, MedGen C1563720, MONDO:0007844, OMIM 147950. Disease mechanism: loss of function.

Submission:

Reproductive Endocrine Unit, Massachusetts General Hospital
Classification: Pathogenic for Hypogonadotropic hypogonadism 2 with or without anosmia. Last evaluated: 2023-05-04. Review status: criteria provided, single submitter. Criteria: ACMG Guidelines, 2015. Collection method: research. Allele origin: unknown. Affected: yes. Observed: 1 variant allele.
Comment: The variant NM_023110.2:c.1997G>A, p.(Trp666*) het has been classified as P1c based on the variant meeting the following ACMG Criteria: PVS1,PM2,PP3.